The following is an entry in ClinVar:

ClinVar aggregate classification (germline): Uncertain significance (1 of 4 stars; one submission).

Conditions:
Bloom syndrome (BLM). Also called: Bloom-Torre-Machacek syndrome. Identifiers: Orphanet 125, MedGen C0005859, MONDO:0008876, OMIM 210900.

Submission:

Labcorp Genetics (formerly Invitae), Labcorp
Classification: Uncertain significance for Bloom syndrome. Last evaluated: 2025-04-07. Review status: criteria provided, single submitter. Criteria: Invitae Variant Classification Sherloc (09022015). Collection method: clinical testing. Allele origin: germline.
Comment: This sequence change replaces serine, which is neutral and polar, with asparagine, which is neutral and polar, at codon 1380 of the BLM protein (p.Ser1380Asn). This variant is not present in population databases (gnomAD no frequency). This variant has not been reported in the literature in individuals affected with BLM-related conditions. ClinVar contains an entry for this variant (Variation ID: 1508491). Invitae Evidence Modeling of protein sequence and biophysical properties (such as structural, functional, and spatial information, amino acid conservation, physicochemical variation, residue mobility, and thermodynamic stability) indicates that this missense variant is not expected to disrupt BLM protein function with a negative predictive value of 80%. In summary, the available evidence is currently insufficient to determine the role of this variant in disease. Therefore, it has been classified as a Variant of Uncertain Significance.

NM_000057.4(BLM):c.4139G>A (p.Ser1380Asn)

Gene: BLM (BLM RecQ like helicase; plus strand). Cytogenetic location: 15q26.1.
Variant type: single nucleotide variant.
Coding change: c.4139G>A on transcript NM_000057.4 (MANE Select); coding-DNA position 4139, G replaced by A.
Protein change: p.Ser1380Asn; replaces serine 1380 with asparagine.
Molecular consequence: missense variant.
Genome position (GRCh38, 1-based): chr15:90,815,164, G>A. VCF-style: chr15-90815164-G-A. GRCh37 (hg19) VCF-style: chr15-91358394-G-A.
Other names: c.4139G>A, p.Ser1380Asn (NM_001287246.2); c.3746G>A, p.Ser1249Asn (NM_001287247.2); c.3014G>A, p.Ser1005Asn (NM_001287248.2); short protein forms S1005N, S1249N, S1380N.
Identifiers: ClinVar variation 1508491 (VCV001508491.6), dbSNP rs2151202301, ClinGen allele CA393852284.